The following is an entry in ClinVar:

ClinVar aggregate classification (germline): Likely benign. Review status: criteria provided, multiple submitters, no conflicts (2 of 4 stars). 2 submissions from 2 submitters: Likely benign (2). Last evaluated 2026-03-01.

Allele frequency attached by ClinVar (database versions not stated): gnomAD 0.00001; ExAC 0.00002; gnomAD exomes 0.00003; TOPMed 0.00003.

Submissions (2):

CeGaT Center for Human Genetics Tuebingen
Classification: Likely benign. Last evaluated: 2026-03-01. Review status: criteria provided, single submitter. Criteria: CeGaT Center For Human Genetics Tuebingen Variant Classification Criteria Version 2. Collection method: clinical testing. Allele origin: germline. Affected: yes. Observed: 1 variant allele.
Comment: MCM5: BP4, BP7

Labcorp Genetics (formerly Invitae), Labcorp
Classification: Likely benign. Last evaluated: 2022-11-06. Review status: criteria provided, single submitter. Criteria: Invitae Variant Classification Sherloc (09022015). Collection method: clinical testing. Allele origin: germline.

NM_006739.4(MCM5):c.492G>A (p.Lys164=)

Gene: MCM5 (minichromosome maintenance complex component 5; plus strand). Cytogenetic location: 22q12.3.
Variant type: single nucleotide variant.
Coding change: c.492G>A on transcript NM_006739.4 (MANE Select); coding-DNA position 492, G replaced by A.
Protein change: p.Lys164=; no amino-acid change (lysine 164 retained).
Molecular consequence: synonymous variant.
Genome position (GRCh38, 1-based): chr22:35,406,621, G>A. VCF-style: chr22-35406621-G-A. GRCh37 (hg19) VCF-style: chr22-35802614-G-A.
Identifiers: ClinVar variation 1926514 (VCV001926514.9), dbSNP rs769078472, ClinGen allele CA10205053.